The following is an entry in ClinVar:

ClinVar aggregate classification (germline): Conflicting classifications of pathogenicity. Review status: criteria provided, conflicting classifications (1 of 4 stars). 5 submissions from 5 submitters: Uncertain significance (4); Likely benign (1). Last evaluated 2025-09-11.

Conditions:
Inborn genetic diseases. Identifiers: MedGen C0950123, MeSH D030342.
Facioscapulohumeral muscular dystrophy 2 (FSHD2). Also called: MUSCULAR DYSTROPHY, FACIOSCAPULOHUMERAL, TYPE 1B; FACIOSCAPULOHUMERAL MUSCULAR DYSTROPHY 2, DIGENIC; FSHD2, DIGENIC. Identifiers: Orphanet 269, MedGen C1834671, MONDO:0008031, OMIM 158901.

Allele frequency attached by ClinVar (database versions not stated): gnomAD 0.00001; TOPMed 0.00004; ExAC 0.00009; ESP Exome Variant Server 0.00034.
gnomAD v4.1: 77 of 1,609,612 alleles (0.0048%); highest among the groups gnomAD compares: Non-Finnish European, 0.0064%; no homozygotes.

Submissions (5):

Labcorp Genetics (formerly Invitae), Labcorp
Classification: Uncertain significance for Facioscapulohumeral muscular dystrophy 2. Last evaluated: 2025-09-11. Review status: criteria provided, single submitter. Criteria: Invitae Variant Classification Sherloc (09022015). Collection method: clinical testing. Allele origin: germline.
Comment: This sequence change replaces aspartic acid, which is acidic and polar, with glutamic acid, which is acidic and polar, at codon 442 of the SMCHD1 protein (p.Asp442Glu). This variant is present in population databases (rs199596161, gnomAD 0.01%). This variant has not been reported in the literature in individuals affected with SMCHD1-related conditions. ClinVar contains an entry for this variant (Variation ID: 664124). Invitae Evidence Modeling of protein sequence and biophysical properties (such as structural, functional, and spatial information, amino acid conservation, physicochemical variation, residue mobility, and thermodynamic stability) indicates that this missense variant is not expected to disrupt SMCHD1 protein function with a negative predictive value of 80%. In summary, the available evidence is currently insufficient to determine the role of this variant in disease. Therefore, it has been classified as a Variant of Uncertain Significance.

Ambry Genetics
Classification: Uncertain significance for Inborn genetic diseases. Last evaluated: 2025-08-09. Review status: criteria provided, single submitter. Criteria: Ambry Variant Classification Scheme 2023. Collection method: clinical testing. Allele origin: germline.

Blueprint Genetics
Classification: Likely benign. Last evaluated: 2024-03-25. Review status: criteria provided, single submitter. Criteria: ACMG Guidelines, 2015. Collection method: clinical testing. Allele origin: germline.

Women's Health and Genetics/Laboratory Corporation of America, LabCorp
Classification: Uncertain significance. Last evaluated: 2023-10-19. Review status: criteria provided, single submitter. Criteria: LabCorp Variant Classification Summary - May 2015. Collection method: clinical testing. Allele origin: germline.
Comment: Variant summary: SMCHD1 c.1326T>G (p.Asp442Glu) results in a conservative amino acid change in the encoded protein sequence. Four of five in-silico tools predict a benign effect of the variant on protein function. The variant allele was found at a frequency of 5.2e-05 in 247706 control chromosomes (gnomAD). To our knowledge, no occurrence of c.1326T>G in individuals affected with Arrhinia With Choanal Atresia And Microphthalmia Syndrome and no experimental evidence demonstrating its impact on protein function have been reported. One submitter has cited clinical-significance assessments for this variant to ClinVar after 2014 and has classified the variant as uncertain significance. Based on the evidence outlined above, the variant was classified as uncertain significance.

Revvity Omics, Revvity
Classification: Uncertain significance. Last evaluated: 2023-10-04. Review status: criteria provided, single submitter. Criteria: ACMG Guidelines, 2015. Collection method: clinical testing. Allele origin: germline.

NM_015295.3(SMCHD1):c.1326T>G (p.Asp442Glu)

Gene: SMCHD1 (structural maintenance of chromosomes flexible hinge domain containing 1; plus strand). Cytogenetic location: 18p11.32.
Variant type: single nucleotide variant.
Coding change: c.1326T>G on transcript NM_015295.3 (MANE Select); coding-DNA position 1326, T replaced by G.
Protein change: p.Asp442Glu; replaces aspartic acid 442 with glutamic acid.
Molecular consequence: missense variant.
Genome position (GRCh38, 1-based): chr18:2,698,025, T>G. VCF-style: chr18-2698025-T-G. GRCh37 (hg19) VCF-style: chr18-2698023-T-G.
Other names: short protein forms D442E.
Identifiers: ClinVar variation 664124 (VCV000664124.11), dbSNP rs199596161, ClinGen allele CA8870721.